The following continues an entry in ClinVar:

NM_016098.4(MPC1):c.303C>T (p.His101=)

Gene: MPC1. ClinVar aggregate classification (germline): Benign. Benign (2).

Submissions 32 to 67 of 129:

Dr. Peter K. Rogan Lab, Western University
No classification provided (evidence only). Condition: Uterine corpus endometrial carcinoma. Review status: no classification provided. Collection method: in vitro. Allele origin: not applicable. Functional consequence: retained intron. Not counted in ClinVar's aggregate classification.

Dr. Peter K. Rogan Lab, Western University
No classification provided (evidence only). Condition: Uterine corpus endometrial carcinoma. Review status: no classification provided. Collection method: in vitro. Allele origin: not applicable. Functional consequence: retained intron. Not counted in ClinVar's aggregate classification.

Dr. Peter K. Rogan Lab, Western University
No classification provided (evidence only). Condition: Uterine corpus endometrial carcinoma. Review status: no classification provided. Collection method: in vitro. Allele origin: not applicable. Functional consequence: skipped exon, retained intron. Not counted in ClinVar's aggregate classification.

Dr. Peter K. Rogan Lab, Western University
No classification provided (evidence only). Condition: Uterine corpus endometrial carcinoma. Review status: no classification provided. Collection method: in vitro. Allele origin: not applicable. Functional consequence: skipped exon, retained intron. Not counted in ClinVar's aggregate classification.

Dr. Peter K. Rogan Lab, Western University
No classification provided (evidence only). Condition: Uterine corpus endometrial carcinoma. Review status: no classification provided. Collection method: in vitro. Allele origin: not applicable. Functional consequence: retained intron. Not counted in ClinVar's aggregate classification.

Dr. Peter K. Rogan Lab, Western University
No classification provided (evidence only). Condition: Uterine corpus endometrial carcinoma. Review status: no classification provided. Collection method: in vitro. Allele origin: not applicable. Functional consequence: skipped exon, retained intron. Not counted in ClinVar's aggregate classification.

Dr. Peter K. Rogan Lab, Western University
No classification provided (evidence only). Condition: Uterine corpus endometrial carcinoma. Review status: no classification provided. Collection method: in vitro. Allele origin: not applicable. Functional consequence: retained intron. Not counted in ClinVar's aggregate classification.

Dr. Peter K. Rogan Lab, Western University
No classification provided (evidence only). Condition: Uterine corpus endometrial carcinoma. Review status: no classification provided. Collection method: in vitro. Allele origin: not applicable. Functional consequence: retained intron. Not counted in ClinVar's aggregate classification.

Dr. Peter K. Rogan Lab, Western University
No classification provided (evidence only). Condition: Uterine corpus endometrial carcinoma. Review status: no classification provided. Collection method: in vitro. Allele origin: not applicable. Functional consequence: retained intron. Not counted in ClinVar's aggregate classification.

Dr. Peter K. Rogan Lab, Western University
No classification provided (evidence only). Condition: Uterine corpus endometrial carcinoma. Review status: no classification provided. Collection method: in vitro. Allele origin: not applicable. Functional consequence: retained intron. Not counted in ClinVar's aggregate classification.

Dr. Peter K. Rogan Lab, Western University
No classification provided (evidence only). Condition: Cervical cancer. Review status: no classification provided. Collection method: in vitro. Allele origin: not applicable. Functional consequence: retained intron. Not counted in ClinVar's aggregate classification.

Dr. Peter K. Rogan Lab, Western University
No classification provided (evidence only). Condition: Cervical cancer. Review status: no classification provided. Collection method: in vitro. Allele origin: not applicable. Functional consequence: retained intron. Not counted in ClinVar's aggregate classification.

Dr. Peter K. Rogan Lab, Western University
No classification provided (evidence only). Condition: Cervical cancer. Review status: no classification provided. Collection method: in vitro. Allele origin: not applicable. Functional consequence: retained intron. Not counted in ClinVar's aggregate classification.

Dr. Peter K. Rogan Lab, Western University
No classification provided (evidence only). Condition: Cervical cancer. Review status: no classification provided. Collection method: in vitro. Allele origin: not applicable. Functional consequence: retained intron. Not counted in ClinVar's aggregate classification.

Dr. Peter K. Rogan Lab, Western University
No classification provided (evidence only). Condition: Cervical cancer. Review status: no classification provided. Collection method: in vitro. Allele origin: not applicable. Functional consequence: retained intron. Not counted in ClinVar's aggregate classification.

Dr. Peter K. Rogan Lab, Western University
No classification provided (evidence only). Condition: Cervical cancer. Review status: no classification provided. Collection method: in vitro. Allele origin: not applicable. Functional consequence: retained intron. Not counted in ClinVar's aggregate classification.

Dr. Peter K. Rogan Lab, Western University
No classification provided (evidence only). Condition: Cervical cancer. Review status: no classification provided. Collection method: in vitro. Allele origin: not applicable. Functional consequence: retained intron. Not counted in ClinVar's aggregate classification.

Dr. Peter K. Rogan Lab, Western University
No classification provided (evidence only). Condition: Cervical cancer. Review status: no classification provided. Collection method: in vitro. Allele origin: not applicable. Functional consequence: retained intron. Not counted in ClinVar's aggregate classification.

Dr. Peter K. Rogan Lab, Western University
No classification provided (evidence only). Condition: Cervical cancer. Review status: no classification provided. Collection method: in vitro. Allele origin: not applicable. Functional consequence: skipped exon, retained intron. Not counted in ClinVar's aggregate classification.

Dr. Peter K. Rogan Lab, Western University
No classification provided (evidence only). Condition: Cervical cancer. Review status: no classification provided. Collection method: in vitro. Allele origin: not applicable. Functional consequence: retained intron. Not counted in ClinVar's aggregate classification.

Dr. Peter K. Rogan Lab, Western University
No classification provided (evidence only). Condition: Cervical cancer. Review status: no classification provided. Collection method: in vitro. Allele origin: not applicable. Functional consequence: skipped exon, retained intron. Not counted in ClinVar's aggregate classification.

Dr. Peter K. Rogan Lab, Western University
No classification provided (evidence only). Condition: Cervical cancer. Review status: no classification provided. Collection method: in vitro. Allele origin: not applicable. Functional consequence: retained intron. Not counted in ClinVar's aggregate classification.

Dr. Peter K. Rogan Lab, Western University
No classification provided (evidence only). Condition: Cervical cancer. Review status: no classification provided. Collection method: in vitro. Allele origin: not applicable. Functional consequence: retained intron. Not counted in ClinVar's aggregate classification.

Dr. Peter K. Rogan Lab, Western University
No classification provided (evidence only). Condition: Cervical cancer. Review status: no classification provided. Collection method: in vitro. Allele origin: not applicable. Functional consequence: retained intron. Not counted in ClinVar's aggregate classification.

Dr. Peter K. Rogan Lab, Western University
No classification provided (evidence only). Condition: Malignant lymphoma, large B-cell, diffuse. Review status: no classification provided. Collection method: in vitro. Allele origin: not applicable. Functional consequence: retained intron. Not counted in ClinVar's aggregate classification.

Dr. Peter K. Rogan Lab, Western University
No classification provided (evidence only). Condition: Hepatocellular carcinoma. Review status: no classification provided. Collection method: in vitro. Allele origin: not applicable. Functional consequence: retained intron. Not counted in ClinVar's aggregate classification.

Dr. Peter K. Rogan Lab, Western University
No classification provided (evidence only). Condition: Hepatocellular carcinoma. Review status: no classification provided. Collection method: in vitro. Allele origin: not applicable. Functional consequence: skipped exon, retained intron. Not counted in ClinVar's aggregate classification.

Dr. Peter K. Rogan Lab, Western University
No classification provided (evidence only). Condition: Hepatocellular carcinoma. Review status: no classification provided. Collection method: in vitro. Allele origin: not applicable. Functional consequence: skipped exon, retained intron. Not counted in ClinVar's aggregate classification.

Dr. Peter K. Rogan Lab, Western University
No classification provided (evidence only). Condition: Hepatocellular carcinoma. Review status: no classification provided. Collection method: in vitro. Allele origin: not applicable. Functional consequence: retained intron. Not counted in ClinVar's aggregate classification.

Dr. Peter K. Rogan Lab, Western University
No classification provided (evidence only). Condition: Hepatocellular carcinoma. Review status: no classification provided. Collection method: in vitro. Allele origin: not applicable. Functional consequence: skipped exon, retained intron. Not counted in ClinVar's aggregate classification.

Dr. Peter K. Rogan Lab, Western University
No classification provided (evidence only). Condition: Hepatocellular carcinoma. Review status: no classification provided. Collection method: in vitro. Allele origin: not applicable. Functional consequence: retained intron. Not counted in ClinVar's aggregate classification.

Dr. Peter K. Rogan Lab, Western University
No classification provided (evidence only). Condition: Hepatocellular carcinoma. Review status: no classification provided. Collection method: in vitro. Allele origin: not applicable. Functional consequence: retained intron. Not counted in ClinVar's aggregate classification.

Dr. Peter K. Rogan Lab, Western University
No classification provided (evidence only). Condition: Hepatocellular carcinoma. Review status: no classification provided. Collection method: in vitro. Allele origin: not applicable. Functional consequence: retained intron. Not counted in ClinVar's aggregate classification.

Dr. Peter K. Rogan Lab, Western University
No classification provided (evidence only). Condition: Hepatocellular carcinoma. Review status: no classification provided. Collection method: in vitro. Allele origin: not applicable. Functional consequence: retained intron. Not counted in ClinVar's aggregate classification.

Dr. Peter K. Rogan Lab, Western University
No classification provided (evidence only). Condition: Hepatocellular carcinoma. Review status: no classification provided. Collection method: in vitro. Allele origin: not applicable. Functional consequence: retained intron. Not counted in ClinVar's aggregate classification.

Dr. Peter K. Rogan Lab, Western University
No classification provided (evidence only). Condition: Hepatocellular carcinoma. Review status: no classification provided. Collection method: in vitro. Allele origin: not applicable. Functional consequence: skipped exon, retained intron. Not counted in ClinVar's aggregate classification.